The following is an entry in ClinVar:

NM_017780.4(CHD7):c.8910C>G (p.Leu2970=)

Gene: CHD7 (chromodomain helicase DNA binding protein 7; plus strand). Cytogenetic location: 8q12.2.
Variant type: single nucleotide variant.
Coding change: c.8910C>G on transcript NM_017780.4 (MANE Select); coding-DNA position 8910, C replaced by G.
Protein change: p.Leu2970=; no amino-acid change (leucine 2970 retained).
Molecular consequence: synonymous variant.
Genome position (GRCh38, 1-based): chr8:60,865,849, C>G. VCF-style: chr8-60865849-C-G. GRCh37 (hg19) VCF-style: chr8-61778408-C-G.
Other names: c.2763C>G, p.Leu921= (NM_001316690.1).
Identifiers: ClinVar variation 2658627 (VCV002658627.28), dbSNP rs2488154670, ClinGen allele CA461106201.
Genomic context (GRCh38, chr8:60,865,849, plus strand): 5'-AGAGACCCTTGAAGGCAGCGATGCCGAGGAGAGCCTGGATAAGACTGCAGAGTCCTCCCT[C>G]TTAGAAGACGAAATAGCACAGGGTGAAGAGCTAGACTCACTTGATGGGGGGGATGAAATA-3'
Protein context (NP_060250.2, residues 2960-2980): ESLDKTAESS[Leu2970=]LEDEIAQGEE

ClinVar aggregate classification (germline): Likely benign. Review status: criteria provided, multiple submitters, no conflicts (2 of 4 stars). 3 submissions from 3 submitters: Likely benign (3). Last evaluated 2022-11-23.

Conditions:
CHARGE syndrome (CHARGE). Also called: Hittner Hirsch Kreh syndrome; CHARGE ASSOCIATION--COLOBOMA, HEART ANOMALY, CHOANAL ATRESIA, RETARDATION, GENITAL AND EAR ANOMALIES; Coloboma, heart anomaly, choanal atresia, retardation, genital and ear anomalies; CHARGE association; Hall-Hittner syndrome. Identifiers: Orphanet 138, MedGen C0265354, MONDO:0008965.

Allele frequency attached by ClinVar (database versions not stated): gnomAD exomes below 0.00001.
gnomAD v4.1: 2 of 1,613,168 alleles (0.00012%); highest among the groups gnomAD compares: Non-Finnish European, 0.00017%; no homozygotes.

Submissions (3):

Blueprint Genetics
Classification: Likely benign. Last evaluated: 2022-11-23. Review status: criteria provided, single submitter. Criteria: ACMG Guidelines, 2015. Collection method: clinical testing. Allele origin: germline.

Labcorp Genetics (formerly Invitae), Labcorp
Classification: Likely benign for CHARGE syndrome. Last evaluated: 2022-11-15. Review status: criteria provided, single submitter. Criteria: Invitae Variant Classification Sherloc (09022015). Collection method: clinical testing. Allele origin: germline.

CeGaT Center for Human Genetics Tuebingen
Classification: Likely benign. Last evaluated: 2022-04-01. Review status: criteria provided, single submitter. Criteria: CeGaT Center For Human Genetics Tuebingen Variant Classification Criteria Version 2. Collection method: clinical testing. Allele origin: germline. Affected: yes. Observed: 1 variant allele.
Comment: CHD7: PM2:Supporting, BP4, BP7